The following is an entry in ClinVar:

NM_000435.3(NOTCH3):c.6164C>T (p.Ala2055Val)

Gene: NOTCH3 (notch receptor 3; minus strand). Cytogenetic location: 19p13.12.
Variant type: single nucleotide variant.
Coding change: c.6164C>T on transcript NM_000435.3 (MANE Select); coding-DNA position 6164, C replaced by T.
Protein change: p.Ala2055Val; replaces alanine 2055 with valine.
Molecular consequence: missense variant.
Genome position (GRCh38, 1-based): chr19:15,161,464, G>A on the plus strand (C>T on the coding strand, the complement: NOTCH3 is on the minus strand). VCF-style: chr19-15161464-G-A. GRCh37 (hg19) VCF-style: chr19-15272275-G-A.
Other names: short protein forms A2055V.
Identifiers: ClinVar variation 804646 (VCV000804646.5), dbSNP rs769066713, ClinGen allele CA9262411.
Genomic context (GRCh38, chr19:15,161,464, plus strand): 5'-TGCGGCCCCAGCCCCGCCTTCCCGGGGGGCCTCCTGCTCTTCTTGGACCCCGACTGTGCC[G>A]CTTTGAGGCCAGGGAGGAAGGCCCCTGGAGGACAGAGCAGAGGCCCCAGGCCGTGGGGAC-3'
Protein context (NP_000426.2, residues 2045-2065): PPGAFLPGLK[Ala2055Val]AQSGSKKSRR

ClinVar aggregate classification (germline): Uncertain significance. Review status: criteria provided, multiple submitters, no conflicts (2 of 4 stars). 2 submissions from 2 submitters: Uncertain significance (2). Last evaluated 2025-07-13.

Allele frequency attached by ClinVar (database versions not stated): ExAC below 0.00001; TOPMed 0.00005; gnomAD 0.00006.

Submissions (2):

Labcorp Genetics (formerly Invitae), Labcorp
Classification: Uncertain significance. Last evaluated: 2025-07-13. Review status: criteria provided, single submitter. Criteria: Invitae Variant Classification Sherloc (09022015). Collection method: clinical testing. Allele origin: germline.
Comment: This sequence change replaces alanine, which is neutral and non-polar, with valine, which is neutral and non-polar, at codon 2055 of the NOTCH3 protein (p.Ala2055Val). This variant is present in population databases (rs769066713, gnomAD 0.006%). This variant has not been reported in the literature in individuals affected with NOTCH3-related conditions. ClinVar contains an entry for this variant (Variation ID: 804646). Invitae Evidence Modeling of protein sequence and biophysical properties (such as structural, functional, and spatial information, amino acid conservation, physicochemical variation, residue mobility, and thermodynamic stability) indicates that this missense variant is not expected to disrupt NOTCH3 protein function with a negative predictive value of 95%. In summary, the available evidence is currently insufficient to determine the role of this variant in disease. Therefore, it has been classified as a Variant of Uncertain Significance.

Athena Diagnostics
Classification: Uncertain significance. Last evaluated: 2019-05-20. Review status: criteria provided, single submitter. Criteria: Athena Diagnostics Criteria. Collection method: clinical testing. Allele origin: germline.